The following is an entry in ClinVar:

NM_000083.3(CLCN1):c.1357C>T (p.Arg453Trp)

Gene: CLCN1 (chloride voltage-gated channel 1; plus strand). Cytogenetic location: 7q34.
Variant type: single nucleotide variant.
Coding change: c.1357C>T on transcript NM_000083.3 (MANE Select); coding-DNA position 1357, C replaced by T.
Protein change: p.Arg453Trp; replaces arginine 453 with tryptophan.
Molecular consequence: missense variant.
Genome position (GRCh38, 1-based): chr7:143,332,829, C>T. VCF-style: chr7-143332829-C-T. GRCh37 (hg19) VCF-style: chr7-143029922-C-T.
Other names: short protein forms R453W.
Identifiers: ClinVar variation 420148 (VCV000420148.17), dbSNP rs376026619, ClinGen allele CA4537329.
Genomic context (GRCh38, chr7:143,332,829, plus strand): 5'-TGGGTGAAACACGCGGGTGATCCTGAGAGCCTGGGCCAGTCAGCTGTGTGGATTCACCCC[C>T]GGGTCAACGTTGTCATCATCATCTTTCTCTTCTTCGTCATGAAGGTACTGCTCCTGACAC-3'
Protein context (NP_000074.3, residues 443-463): LGQSAVWIHP[Arg453Trp]VNVVIIIFLF

ClinVar aggregate classification (germline): Uncertain significance. Review status: criteria provided, multiple submitters, no conflicts (2 of 4 stars). 4 submissions from 4 submitters: Uncertain significance (4). Last evaluated 2026-05-11.

Conditions:
Congenital myotonia, autosomal recessive form. Also called: myotonia congenita, autosomal recessive; BECKER DISEASE; Becker Generalized Myotonia. Identifiers: Orphanet 614, MedGen C0751360, MONDO:0009715, OMIM 255700.
Congenital myotonia, autosomal dominant form (THD). Also called: THOMSEN DISEASE; Myotonia congenita autosomal dominant. Identifiers: Orphanet 614, MedGen C2936781, MONDO:0008055, OMIM 160800.

Allele frequency attached by ClinVar (database versions not stated): ESP Exome Variant Server 0.00008; TOPMed 0.00008; gnomAD 0.00011 and 0.00013.
gnomAD v4.1: 135 of 1,614,118 alleles (0.0084%); highest among the groups gnomAD compares: Middle Eastern, 0.033%; no homozygotes.

Submissions (4):

Women's Health and Genetics/Laboratory Corporation of America, LabCorp
Classification: Uncertain significance. Last evaluated: 2026-05-11. Review status: criteria provided, single submitter. Criteria: LabCorp Variant Classification Summary - May 2015. Collection method: clinical testing. Allele origin: germline.
Comment: Variant summary: CLCN1 c.1357C>T (p.Arg453Trp) results in a non-conservative amino acid change in the encoded protein sequence. Algorithms developed to predict the effect of missense changes on protein structure and function are either unavailable or do not agree on the potential impact of this missense change. The variant allele was found at a frequency of 8e-05 in 251452 control chromosomes. This frequency is not significantly higher than estimated for disease-causing variants in CLCN1, allowing no conclusion about variant significance. c.1357C>T has been observed in individuals affected with Myotonia congenita (e.g. Brugnoni_2013, Portaro_2015). These data do not allow any conclusion about variant significance. Transient expression in tsA201 cells show the variant had similar activity as WT (Portaro_2015), indicating no change in protein function. The following publications have been ascertained in the context of this evaluation (PMID: 23739125, 26007199). ClinVar contains an entry for this variant (Variation ID: 420148). Based on the evidence outlined above, the variant was classified as uncertain significance.

GeneDx
Classification: Uncertain significance. Last evaluated: 2025-05-15. Review status: criteria provided, single submitter. Criteria: GeneDx Variant Classification Process June 2021. Collection method: clinical testing. Allele origin: germline. Affected: yes.
Comment: In silico analysis supports that this missense variant has a deleterious effect on protein structure/function; This variant is associated with the following publications: (PMID: 23739125, 26007199, 34426522, 28427807, 32154989)

Labcorp Genetics (formerly Invitae), Labcorp
Classification: Uncertain significance for Congenital myotonia, autosomal recessive form; Congenital myotonia, autosomal dominant form. Last evaluated: 2024-03-22. Review status: criteria provided, single submitter. Criteria: Invitae Variant Classification Sherloc (09022015). Collection method: clinical testing. Allele origin: germline.
Comment: This sequence change replaces arginine, which is basic and polar, with tryptophan, which is neutral and slightly polar, at codon 453 of the CLCN1 protein (p.Arg453Trp). This variant is present in population databases (rs376026619, gnomAD 0.08%). This missense change has been observed in individual(s) with clinical features of myotonia congenita (PMID: 26007199; Invitae). In at least one individual the data is consistent with being in trans (on the opposite chromosome) from a pathogenic variant. ClinVar contains an entry for this variant (Variation ID: 420148). Advanced modeling of protein sequence and biophysical properties (such as structural, functional, and spatial information, amino acid conservation, physicochemical variation, residue mobility, and thermodynamic stability) has been performed at Invitae for this missense variant, however the output from this modeling did not meet the statistical confidence thresholds required to predict the impact of this variant on CLCN1 protein function. Experimental studies have shown that this missense change does not substantially affect CLCN1 function (PMID: 26007199). In summary, the available evidence is currently insufficient to determine the role of this variant in disease. Therefore, it has been classified as a Variant of Uncertain Significance.

Revvity Omics, Revvity
Classification: Uncertain significance. Last evaluated: 2022-09-19. Review status: criteria provided, single submitter. Criteria: ACMG Guidelines, 2015. Collection method: clinical testing. Allele origin: germline.

Literature cited by the submitters: PubMed 23739125 (cited by Women's Health and Genetics/Laboratory Corporation of America, LabCorp); PubMed 26007199 (cited by Women's Health and Genetics/Laboratory Corporation of America, LabCorp and Labcorp Genetics (formerly Invitae), Labcorp).